The following is an entry in ClinVar:

ClinVar aggregate classification (germline): Uncertain significance (1 of 4 stars; one submission).

Conditions:
Fetal akinesia deformation sequence 1 (FADS1). Also called: Pena-Shokeir syndrome type I; Fetal akinesia sequence. Identifiers: Orphanet 994, MedGen C1276035, MONDO:0100101, OMIM 208150, HP:0001989.
Congenital myasthenic syndrome 9. Also called: Myasthenic syndrome, congenital, 9, associated with acetylcholine receptor deficiency. Identifiers: Orphanet 590, MedGen C4225368, MONDO:0014587, OMIM 616325.

Allele frequency attached by ClinVar (database versions not stated): gnomAD exomes 0.00001.
gnomAD v4.1: 17 of 1,604,094 alleles (0.0011%); highest among the groups gnomAD compares: Non-Finnish European, 0.0015%; no homozygotes.

Submission:

Labcorp Genetics (formerly Invitae), Labcorp
Classification: Uncertain significance for Congenital myasthenic syndrome 9; Fetal akinesia deformation sequence 1. Last evaluated: 2022-04-17. Review status: criteria provided, single submitter. Criteria: Invitae Variant Classification Sherloc (09022015). Collection method: clinical testing. Allele origin: germline.
Comment: This sequence change replaces aspartic acid, which is acidic and polar, with glutamic acid, which is acidic and polar, at codon 754 of the MUSK protein (p.Asp754Glu). This variant is present in population databases (no rsID available, gnomAD 0.002%). This variant has not been reported in the literature in individuals affected with MUSK-related conditions. Advanced modeling of protein sequence and biophysical properties (such as structural, functional, and spatial information, amino acid conservation, physicochemical variation, residue mobility, and thermodynamic stability) performed at Invitae indicates that this missense variant is not expected to disrupt MUSK protein function. In summary, the available evidence is currently insufficient to determine the role of this variant in disease. Therefore, it has been classified as a Variant of Uncertain Significance.

NM_005592.4(MUSK):c.2262C>G (p.Asp754Glu)

Gene: MUSK (muscle associated receptor tyrosine kinase; plus strand). Cytogenetic location: 9q31.3.
Variant type: single nucleotide variant.
Coding change: c.2262C>G on transcript NM_005592.4 (MANE Select); coding-DNA position 2262, C replaced by G.
Protein change: p.Asp754Glu; replaces aspartic acid 754 with glutamic acid.
Molecular consequence: missense variant.
Genome position (GRCh38, 1-based): chr9:110,800,640, C>G. VCF-style: chr9-110800640-C-G. GRCh37 (hg19) VCF-style: chr9-113562920-C-G.
Other names: c.2004C>G, p.Asp668Glu (NM_001166280.2); c.1974C>G, p.Asp658Glu (NM_001166281.2); c.1002C>G, p.Asp334Glu (NM_001369398.1); short protein forms D754E, D334E, D658E, D668E.
Identifiers: ClinVar variation 2168351 (VCV002168351.1), dbSNP rs1032294980, ClinGen allele CA374478889.